The following is an entry in ClinVar:

NM_002661.5(PLCG2):c.1986G>C (p.Arg662Ser)

Gene: PLCG2 (phospholipase C gamma 2; plus strand). Cytogenetic location: 16q23.3.
Variant type: single nucleotide variant.
Coding change: c.1986G>C on transcript NM_002661.5 (MANE Select); coding-DNA position 1986, G replaced by C.
Protein change: p.Arg662Ser; replaces arginine 662 with serine.
Molecular consequence: missense variant.
Genome position (GRCh38, 1-based): chr16:81,912,648, G>C. VCF-style: chr16-81912648-G-C. GRCh37 (hg19) VCF-style: chr16-81946253-G-C.
Other names: short protein forms R662S.
Identifiers: ClinVar variation 1443294 (VCV001443294.6), dbSNP rs1202954972, ClinGen allele CA396901352.

ClinVar aggregate classification (germline): Uncertain significance (1 of 4 stars; one submission).

Conditions:
Familial cold autoinflammatory syndrome 3 (FCAS3). Also called: FAMILIAL ATYPICAL COLD URTICARIA; ANTIBODY DEFICIENCY AND IMMUNE DYSREGULATION, PLCG2-ASSOCIATED. Identifiers: Orphanet 300359, MedGen C3280914, MONDO:0013766, OMIM 614468.

Allele frequency attached by ClinVar (database versions not stated): gnomAD 0.00001; TOPMed 0.00001.
gnomAD v4.1: 12 of 1,613,136 alleles (0.00074%); highest among the groups gnomAD compares: Non-Finnish European, 0.001%; no homozygotes.

Submission:

Labcorp Genetics (formerly Invitae), Labcorp
Classification: Uncertain significance for Familial cold autoinflammatory syndrome 3. Last evaluated: 2023-09-03. Review status: criteria provided, single submitter. Criteria: Invitae Variant Classification Sherloc (09022015). Collection method: clinical testing. Allele origin: germline.
Comment: This sequence change replaces arginine, which is basic and polar, with serine, which is neutral and polar, at codon 662 of the PLCG2 protein (p.Arg662Ser). This variant is not present in population databases (gnomAD no frequency). This variant has not been reported in the literature in individuals affected with PLCG2-related conditions. ClinVar contains an entry for this variant (Variation ID: 1443294). An algorithm developed to predict the effect of missense changes on protein structure and function (PolyPhen-2) suggests that this variant is likely to be tolerated. In summary, the available evidence is currently insufficient to determine the role of this variant in disease. Therefore, it has been classified as a Variant of Uncertain Significance.